The following is an entry in ClinVar:

NM_006231.4(POLE):c.4850T>C (p.Ile1617Thr)

Gene: POLE (DNA polymerase epsilon, catalytic subunit; minus strand). Cytogenetic location: 12q24.33.
Variant type: single nucleotide variant.
Coding change: c.4850T>C on transcript NM_006231.4 (MANE Select); coding-DNA position 4850, T replaced by C.
Protein change: p.Ile1617Thr; replaces isoleucine 1617 with threonine.
Molecular consequence: missense variant.
Genome position (GRCh38, 1-based): chr12:132,642,608, A>G on the plus strand (T>C on the coding strand, the complement: POLE is on the minus strand). VCF-style: chr12-132642608-A-G. GRCh37 (hg19) VCF-style: chr12-133219194-A-G.
Other names: c.4850T>C (NM_006231.2); short protein forms I1617T.
Identifiers: ClinVar variation 1437212 (VCV001437212.9), dbSNP rs2042173763, ClinGen allele CA387378158.

ClinVar aggregate classification (germline): Uncertain significance. Review status: criteria provided, multiple submitters, no conflicts (2 of 4 stars). 2 submissions from 2 submitters: Uncertain significance (2). Last evaluated 2025-07-31.

Conditions:
Hereditary cancer-predisposing syndrome. Also called: Neoplastic Syndromes, Hereditary; Hereditary Cancer Syndrome; Hereditary neoplastic syndrome; Tumor predisposition. Identifiers: Orphanet 140162, MedGen C0027672, MeSH D009386, MONDO:0015356.

Allele frequency attached by ClinVar (database versions not stated): TOPMed below 0.00001.

Submissions (2):

Labcorp Genetics (formerly Invitae), Labcorp
Classification: Uncertain significance. Last evaluated: 2025-07-31. Review status: criteria provided, single submitter. Criteria: Invitae Variant Classification Sherloc (09022015). Collection method: clinical testing. Allele origin: germline.
Comment: This sequence change replaces isoleucine, which is neutral and non-polar, with threonine, which is neutral and polar, at codon 1617 of the POLE protein (p.Ile1617Thr). This variant is not present in population databases (gnomAD no frequency). This variant has not been reported in the literature in individuals affected with POLE-related conditions. ClinVar contains an entry for this variant (Variation ID: 1437212). Invitae Evidence Modeling of protein sequence and biophysical properties (such as structural, functional, and spatial information, amino acid conservation, physicochemical variation, residue mobility, and thermodynamic stability) indicates that this missense variant is not expected to disrupt POLE protein function with a negative predictive value of 80%. In summary, the available evidence is currently insufficient to determine the role of this variant in disease. Therefore, it has been classified as a Variant of Uncertain Significance.

Ambry Genetics
Classification: Uncertain significance for Hereditary cancer-predisposing syndrome. Last evaluated: 2023-09-20. Review status: criteria provided, single submitter. Criteria: Ambry Variant Classification Scheme 2023. Collection method: clinical testing. Allele origin: germline.
Comment: The p.I1617T variant (also known as c.4850T>C), located in coding exon 37 of the POLE gene, results from a T to C substitution at nucleotide position 4850. The isoleucine at codon 1617 is replaced by threonine, an amino acid with similar properties. This amino acid position is conserved. In addition, this alteration is predicted to be tolerated by in silico analysis. Since supporting evidence is limited at this time, the clinical significance of this alteration remains unclear.